The following is an entry in ClinVar:

NM_002291.3(LAMB1):c.2485G>C (p.Val829Leu)

Gene: LAMB1 (laminin subunit beta 1; minus strand). Cytogenetic location: 7q31.1.
Variant type: single nucleotide variant.
Coding change: c.2485G>C on transcript NM_002291.3 (MANE Select); coding-DNA position 2485, G replaced by C.
Protein change: p.Val829Leu; replaces valine 829 with leucine.
Molecular consequence: missense variant.
Genome position (GRCh38, 1-based): chr7:107,959,454, C>G on the plus strand (G>C on the coding strand, the complement: LAMB1 is on the minus strand). VCF-style: chr7-107959454-C-G. GRCh37 (hg19) VCF-style: chr7-107599899-C-G.
Other names: short protein forms V829L.
Identifiers: ClinVar variation 2132131 (VCV002132131.4), dbSNP rs2033447575, ClinGen allele CA368867356.

ClinVar aggregate classification (germline): Uncertain significance (1 of 4 stars; one submission).

Submission:

Labcorp Genetics (formerly Invitae), Labcorp
Classification: Uncertain significance. Last evaluated: 2022-05-14. Review status: criteria provided, single submitter. Criteria: Invitae Variant Classification Sherloc (09022015). Collection method: clinical testing. Allele origin: germline.
Comment: In summary, the available evidence is currently insufficient to determine the role of this variant in disease. Therefore, it has been classified as a Variant of Uncertain Significance. Algorithms developed to predict the effect of missense changes on protein structure and function output the following: SIFT: "Deleterious"; PolyPhen-2: "Benign"; Align-GVGD: "Class C25". The leucine amino acid residue is found in multiple mammalian species, which suggests that this missense change does not adversely affect protein function. This variant has not been reported in the literature in individuals affected with LAMB1-related conditions. This variant is not present in population databases (gnomAD no frequency). This sequence change replaces valine, which is neutral and non-polar, with leucine, which is neutral and non-polar, at codon 829 of the LAMB1 protein (p.Val829Leu).